The following is an entry in ClinVar:

ClinVar aggregate classification (germline): Likely benign. Review status: criteria provided, multiple submitters, no conflicts (2 of 4 stars). 3 submissions from 3 submitters: Likely benign (3). Last evaluated 2026-03-25.

Conditions:
Cardiovascular phenotype. Identifiers: MedGen CN230736.
CACNB2-related disorder. Also called: CACNB2-related condition.
Brugada syndrome 4 (BRGDA4). Identifiers: Orphanet 130, MedGen C2678477, MONDO:0012743, OMIM 611876.

Allele frequency attached by ClinVar (database versions not stated): ExAC 0.00001; gnomAD 0.00001; gnomAD exomes 0.00002.
gnomAD v4.1: 37 of 1,613,920 alleles (0.0023%); highest among the groups gnomAD compares: Non-Finnish European, 0.0031%; no homozygotes.

Submissions (3):

PreventionGenetics, part of Exact Sciences
Classification: Likely benign for CACNB2-related condition. Last evaluated: 2026-03-25. Review status: criteria provided, single submitter. Criteria: ACMG Guidelines, 2015. Collection method: clinical testing. Allele origin: germline.
Comment: This variant is classified as likely benign based on ACMG/AMP sequence variant interpretation guidelines (Richards et al. 2015 PMID: 25741868, with internal and published modifications).

Labcorp Genetics (formerly Invitae), Labcorp
Classification: Likely benign for Brugada syndrome 4. Last evaluated: 2025-10-26. Review status: criteria provided, single submitter. Criteria: Invitae Variant Classification Sherloc (09022015). Collection method: clinical testing. Allele origin: germline.

Ambry Genetics
Classification: Likely benign for Cardiovascular phenotype. Last evaluated: 2023-02-03. Review status: criteria provided, single submitter. Criteria: Ambry Variant Classification Scheme 2023. Collection method: clinical testing. Allele origin: germline.

NM_201596.3(CACNB2):c.570C>T (p.Ala190=)

Gene: CACNB2 (calcium voltage-gated channel auxiliary subunit beta 2; plus strand). Cytogenetic location: 10p12.31.
Variant type: single nucleotide variant.
Coding change: c.570C>T on transcript NM_201596.3 (MANE Select); coding-DNA position 570, C replaced by T.
Protein change: p.Ala190=; no amino-acid change (alanine 190 retained).
Molecular consequence: synonymous variant.
Genome position (GRCh38, 1-based): chr10:18,500,925, C>T. VCF-style: chr10-18500925-C-T. GRCh37 (hg19) VCF-style: chr10-18789854-C-T.
Other names: c.405C>T, p.Ala135= (NM_000724.4, NM_001330060.2); c.486C>T, p.Ala162= (NM_001167945.2, NM_201571.4, NM_201572.4); c.426C>T, p.Ala142= (NM_001410882.1, NM_201570.3); c.408C>T, p.Ala136= (NM_201590.3); c.570C>T, p.Ala190= (NM_201593.3, NM_201597.3).
Identifiers: ClinVar variation 2064448 (VCV002064448.7), dbSNP rs763455333, ClinGen allele CA5429651.